The following is an entry in ClinVar:

ClinVar aggregate classification (germline): Uncertain significance (1 of 4 stars; one submission).

Submission:

GeneDx
Classification: Uncertain significance. Last evaluated: 2021-06-22. Review status: criteria provided, single submitter. Criteria: GeneDx Variant Classification Process June 2021. Collection method: clinical testing. Allele origin: germline. Affected: yes.
Comment: Not observed at significant frequency in large population cohorts (Lek et al., 2016); In silico analysis supports that this missense variant does not alter protein structure/function; Has not been previously published as pathogenic or benign to our knowledge; This variant is associated with the following publications: (PMID: 27535533)

NM_020791.4(TAOK1):c.1256C>A (p.Pro419Gln)

Gene: TAOK1 (TAO kinase 1; plus strand). Cytogenetic location: 17q11.2.
Variant type: single nucleotide variant.
Coding change: c.1256C>A on transcript NM_020791.4 (MANE Select); coding-DNA position 1256, C replaced by A.
Protein change: p.Pro419Gln; replaces proline 419 with glutamine.
Molecular consequence: missense variant.
Genome position (GRCh38, 1-based): chr17:29,502,641, C>A. VCF-style: chr17-29502641-C-A. GRCh37 (hg19) VCF-style: chr17-27829659-C-A.
Other names: c.1256C>A, p.Pro419Gln (NM_025142.1); short protein forms P419Q.
Identifiers: ClinVar variation 1329510 (VCV001329510.2), dbSNP rs1365569773, ClinGen allele CA399195415.